The following is an entry in ClinVar:

NM_000548.5(TSC2):c.2757T>A (p.Asn919Lys)

Gene: TSC2 (TSC complex subunit 2; plus strand). Cytogenetic location: 16p13.3.
Variant type: single nucleotide variant.
Coding change: c.2757T>A on transcript NM_000548.5 (MANE Select); coding-DNA position 2757, T replaced by A.
Protein change: p.Asn919Lys; replaces asparagine 919 with lysine.
Molecular consequence: missense variant. On other transcripts: non-coding transcript variant (5).
Genome position (GRCh38, 1-based): chr16:2,076,505, T>A. VCF-style: chr16-2076505-T-A. GRCh37 (hg19) VCF-style: chr16-2126506-T-A.
Other names: c.1413T>A, p.Asn471Lys (NM_001406692.1, NM_001406693.1, NM_001406694.1 and 6 more transcripts); c.2700T>A, p.Asn900Lys (NM_001406677.1); c.2646T>A, p.Asn882Lys (NM_001406678.1, NM_001406670.1, NM_001318827.2); c.2610T>A, p.Asn870Lys (NM_001406679.1, NM_001406675.1, NM_001406676.1 and 1 more transcripts); c.2157T>A, p.Asn719Lys (NM_001406680.1, NM_001406682.1, NM_001406683.1 and 6 more transcripts); c.2295T>A, p.Asn765Lys (NM_001406681.1); c.1155T>A, p.Asn385Lys (NM_001406698.1); c.2757T>A, p.Asn919Lys (NM_021055.3, NM_001406663.1, NM_001406664.1 and 6 more transcripts); and 3 more; short protein forms N385K, N471K, N719K, N765K, N870K, N882K, N900K, N915K.
Identifiers: ClinVar variation 4866071 (VCV004866071.1).

ClinVar aggregate classification (germline): Uncertain significance (1 of 4 stars; one submission).

Conditions:
Hereditary cancer-predisposing syndrome. Also called: Neoplastic Syndromes, Hereditary; Tumor predisposition; Hereditary Cancer Syndrome; Hereditary neoplastic syndrome. Identifiers: Orphanet 140162, MedGen C0027672, MeSH D009386, MONDO:0015356.

Submission:

Ambry Genetics
Classification: Uncertain significance for Hereditary cancer-predisposing syndrome. Last evaluated: 2026-03-23. Review status: criteria provided, single submitter. Criteria: Ambry Variant Classification Scheme 2023. Collection method: clinical testing. Allele origin: germline.
Comment: The p.N919K variant (also known as c.2757T>A), located in coding exon 24 of the TSC2 gene, results from a T to A substitution at nucleotide position 2757. The asparagine at codon 919 is replaced by lysine, an amino acid with similar properties. This amino acid position is conserved. In addition, the in silico prediction for this alteration is inconclusive. Based on the available evidence, the clinical significance of this variant remains unclear.